The following is an entry in ClinVar:

NM_004252.5(NHERF1):c.132C>T (p.Pro44=)

Genes: NHERF1 (NHERF family PDZ scaffold protein 1; plus strand), SLC9A3R1-AS1 (SLC9A3R1 antisense RNA 1; minus strand). Cytogenetic location: 17q25.1.
Variant type: single nucleotide variant.
Coding change: c.132C>T on transcript NM_004252.5 (MANE Select); coding-DNA position 132, C replaced by T.
Protein change: p.Pro44=; no amino-acid change (proline 44 retained).
Molecular consequence: synonymous variant.
Genome position (GRCh38, 1-based): chr17:74,748,978, C>T. VCF-style: chr17-74748978-C-T. GRCh37 (hg19) VCF-style: chr17-72745117-C-T.
Other names: p.Pro44=.
Identifiers: ClinVar variation 720539 (VCV000720539.13), dbSNP rs376568959, ClinGen allele CA8750542.

ClinVar aggregate classification (germline): Benign/Likely benign. Review status: criteria provided, multiple submitters, no conflicts (2 of 4 stars). 3 submissions from 3 submitters: Benign (1); Likely benign (1). 1 of the submissions does not count toward it. Last evaluated 2025-12-27.

Conditions:
NHERF1-related disorder. Also called: NHERF1-related condition.

Allele frequency attached by ClinVar (database versions not stated): gnomAD exomes 0.00025 and 0.00065; ExAC 0.00094; ESP Exome Variant Server 0.00210; gnomAD 0.00289 and 0.00306; TOPMed 0.00314; 1000 Genomes Project 0.00319; 1000 Genomes Project 30x 0.00328.
gnomAD v4.1: 839 of 1,607,122 alleles (0.052%); highest among the groups gnomAD compares: African/African-American, 0.98%; 6 homozygotes.

Submissions (3):

Labcorp Genetics (formerly Invitae), Labcorp
Classification: Benign. Last evaluated: 2025-12-27. Review status: criteria provided, single submitter. Criteria: Invitae Variant Classification Sherloc (09022015). Collection method: clinical testing. Allele origin: germline.

Mayo Clinic Laboratories, Mayo Clinic
Classification: Likely benign. Last evaluated: 2025-11-13. Review status: criteria provided, single submitter. Criteria: ACMG Guidelines, 2015. Collection method: clinical testing. Allele origin: germline. Observed: 1 variant allele.
Comment: BP4, BP7

PreventionGenetics, part of Exact Sciences
Classification: Benign for NHERF1-related condition. Last evaluated: 2019-09-24. Review status: no assertion criteria provided. Collection method: clinical testing. Allele origin: germline. Not counted in ClinVar's aggregate classification.
Comment: This variant is classified as benign based on ACMG/AMP sequence variant interpretation guidelines (Richards et al. 2015 PMID: 25741868, with internal and published modifications).